The following is an entry in ClinVar:

NM_016011.5(MECR):c.219C>T (p.Val73=)

Gene: MECR (mitochondrial trans-2-enoyl-CoA reductase; minus strand). Cytogenetic location: 1p35.3.
Variant type: single nucleotide variant.
Coding change: c.219C>T on transcript NM_016011.5 (MANE Select); coding-DNA position 219, C replaced by T.
Protein change: p.Val73=; no amino-acid change (valine 73 retained).
Molecular consequence: synonymous variant. On other transcripts: 5 prime UTR variant (5), non-coding transcript variant (4).
Genome position (GRCh38, 1-based): chr1:29,216,643, G>A on the plus strand (C>T on the coding strand, the complement: MECR is on the minus strand). VCF-style: chr1-29216643-G-A. GRCh37 (hg19) VCF-style: chr1-29543155-G-A.
Other names: c.-10C>T (NM_001024732.4, NM_001349711.2, NM_001349712.2 and 2 more transcripts); c.324C>T, p.Val108= (NM_001349715.2); c.303C>T, p.Val101= (NM_001349716.2); c.69C>T, p.Val23= (NM_001349717.2); c.219C>T (NM_016011.3).
Identifiers: ClinVar variation 1666454 (VCV001666454.10), dbSNP rs113271042, ClinGen allele CA725862.

ClinVar aggregate classification (germline): Likely benign. Review status: criteria provided, multiple submitters, no conflicts (2 of 4 stars). 3 submissions from 3 submitters: Likely benign (3). Last evaluated 2025-08-18.

Conditions:
MECR-related disorder. Also called: MECR-related condition.

Allele frequency attached by ClinVar (database versions not stated): gnomAD 0.00006 and 0.00007; TOPMed 0.00006; ExAC 0.00007; ESP Exome Variant Server 0.00008; gnomAD exomes 0.00008.
gnomAD v4.1: 137 of 1,614,212 alleles (0.0085%); highest among the groups gnomAD compares: Middle Eastern, 0.2%; no homozygotes.

Submissions (3):

Labcorp Genetics (formerly Invitae), Labcorp
Classification: Likely benign. Last evaluated: 2025-08-18. Review status: criteria provided, single submitter. Criteria: Invitae Variant Classification Sherloc (09022015). Collection method: clinical testing. Allele origin: germline.

PreventionGenetics, part of Exact Sciences
Classification: Likely benign for MECR-related condition. Last evaluated: 2025-02-12. Review status: criteria provided, single submitter. Criteria: ACMG Guidelines, 2015. Collection method: clinical testing. Allele origin: germline.
Comment: This variant is classified as likely benign based on ACMG/AMP sequence variant interpretation guidelines (Richards et al. 2015 PMID: 25741868, with internal and published modifications).

Blueprint Genetics
Classification: Likely benign. Last evaluated: 2024-11-21. Review status: criteria provided, single submitter. Criteria: ACMG Guidelines, 2015. Collection method: clinical testing. Allele origin: germline.